The following is an entry in ClinVar:

ClinVar aggregate classification (germline): Uncertain significance (1 of 4 stars; one submission).

Conditions:
SEMA3B-related disorder. Also called: SEMA3B-related condition.

gnomAD v4.1: 77 of 1,595,490 alleles (0.0048%); highest among the groups gnomAD compares: Non-Finnish European, 0.0051%; 1 homozygote.

Submission:

PreventionGenetics, part of Exact Sciences
Classification: Uncertain significance for SEMA3B-related condition. Last evaluated: 2026-06-11. Review status: criteria provided, single submitter. Criteria: ACMG Guidelines, 2015. Collection method: clinical testing. Allele origin: germline.
Comment: The SEMA3B c.450+8C>T variant is predicted to interfere with splicing. To our knowledge, this variant has not been reported in the literature. This variant is reported in 0.0079% of alleles in individuals of African descent in gnomAD. Although we suspect that this variant may be benign, at this time, the clinical significance of this variant is uncertain due to the absence of conclusive functional and genetic evidence.

NM_001290060.2(SEMA3B):c.450+8C>T

Gene: SEMA3B (semaphorin 3B; plus strand). Cytogenetic location: 3p21.31.
Variant type: single nucleotide variant.
Coding change: c.450+8C>T on transcript NM_001290060.2 (MANE Select); 8 bases into the intron after coding-DNA position 450, C replaced by T.
Molecular consequence: intron variant.
Genome position (GRCh38, 1-based): chr3:50,271,017, C>T. VCF-style: chr3-50271017-C-T. GRCh37 (hg19) VCF-style: chr3-50308448-C-T.
Other names: c.450+8C>T (NM_001435958.1, NM_001435956.1, NM_001435957.1 and 3 more transcripts).
Identifiers: ClinVar variation 4981029 (VCV004981029.1).
Genomic context (GRCh38, chr3:50,271,017, plus strand): 5'-CGGGAGCCTTCCACCCAACCTGTGCCTTTGTGGAAGTGGGCCACCGGGCAGAGGTAAGGC[C>T]GGATCTAGGCAGGGAGGGAGGTCAGGAGGGTAAGAAGGGCCTGGTAGTCACAACTTGCCA-3'